The following is an entry in ClinVar:

NM_000103.4(CYP19A1):c.575G>C (p.Arg192Pro)

Genes: CYP19A1 (cytochrome P450 family 19 subfamily A member 1; minus strand), MIR4713HG (MIR4713 host gene; plus strand), PIRC66 (piwi-interacting RNA cluster 66; plus strand). Cytogenetic location: 15q21.2.
Variant type: single nucleotide variant.
Coding change: c.575G>C on transcript NM_000103.4 (MANE Select); coding-DNA position 575, G replaced by C.
Protein change: p.Arg192Pro; replaces arginine 192 with proline.
Molecular consequence: missense variant.
Genome position (GRCh38, 1-based): chr15:51,222,402, C>G on the plus strand (G>C on the coding strand, the complement: CYP19A1 is on the minus strand). VCF-style: chr15-51222402-C-G. GRCh37 (hg19) VCF-style: chr15-51514599-C-G.
Other names: c.575G>C, p.Arg192Pro (NM_001347248.1, NM_001347249.2, NM_001347250.2 and 7 more transcripts); short protein forms R192P.
Identifiers: ClinVar variation 4687497 (VCV004687497.1).

ClinVar aggregate classification (germline): Uncertain significance (1 of 4 stars; one submission).

gnomAD v4.1: 3 of 1,614,178 alleles (0.00019%); highest among the groups gnomAD compares: South Asian, 0.0022%; no homozygotes.

Submission:

Women's Health and Genetics/Laboratory Corporation of America, LabCorp
Classification: Uncertain significance. Last evaluated: 2025-10-07. Review status: criteria provided, single submitter. Criteria: LabCorp Variant Classification Summary - May 2015. Collection method: clinical testing. Allele origin: germline.
Comment: Variant summary: CYP19A1 c.575G>C (p.Arg192Pro) results in a non-conservative amino acid change in the encoded protein sequence. Algorithms developed to predict the effect of missense changes on protein structure and function all suggest that this variant is likely to be disruptive. The variant was absent in 251358 control chromosomes. c.575G>C has been observed in at least one homozygous individual affected with Aromatase deficiency (e.g. YamiCannaiah_2023). These data indicate that the variant may be associated with disease. To our knowledge, no experimental evidence demonstrating an impact on protein function has been reported. The following publication has been ascertained in the context of this evaluation (PMID: 37348676). No submitters have cited clinical-significance assessments for this variant to ClinVar. Based on the evidence outlined above, the variant was classified as VUS-possibly pathogenic.

Literature cited by the submitters: PubMed 37348676.